The following is an entry in ClinVar:

NM_002775.5(HTRA1):c.961G>A (p.Ala321Thr)

Gene: HTRA1 (HtrA serine peptidase 1; plus strand). Cytogenetic location: 10q26.13.
Variant type: single nucleotide variant.
Coding change: c.961G>A on transcript NM_002775.5 (MANE Select); coding-DNA position 961, G replaced by A.
Protein change: p.Ala321Thr; replaces alanine 321 with threonine.
Molecular consequence: missense variant.
Genome position (GRCh38, 1-based): chr10:122,506,874, G>A. VCF-style: chr10-122506874-G-A. GRCh37 (hg19) VCF-style: chr10-124266390-G-A.
Other names: short protein forms A321T.
Identifiers: ClinVar variation 180746 (VCV000180746.10), dbSNP rs587776449, ClinGen allele CA346794.

ClinVar aggregate classification (germline): Conflicting classifications of pathogenicity. Review status: criteria provided, conflicting classifications (1 of 4 stars). 5 submissions from 5 submitters: Likely pathogenic (1); Uncertain significance (2). 2 of the submissions do not count toward it. Last evaluated 2025-11-17.

Conditions:
Vascular dementia. Identifiers: MedGen C0011269, MeSH D015140, MONDO:0004648.
HTRA1-related disorders.
Cerebral arteriopathy, autosomal recessive, with subcortical infarcts and leukoencephalopathy 2. Also called: MAEDA SYNDROME; SUBCORTICAL VASCULAR ENCEPHALOPATHY, PROGRESSIVE; Cerebral autosomal recessive arteriopathy with subcortical infarcts and leukoencephalopathy; CARASIL syndrome; CEREBROVASCULAR DISEASE WITH THIN SKIN, ALOPECIA, AND DISC DISEASE. Identifiers: Orphanet 199354, MedGen C6022615, MONDO:0010829, OMIM 600142.

Allele frequency attached by ClinVar (database versions not stated): TOPMed 0.00002; ExAC 0.00003; gnomAD exomes 0.00004 and 0.00007; gnomAD 0.00009 and 0.00010.
gnomAD v4.1: 72 of 1,613,378 alleles (0.0045%); highest among the groups gnomAD compares: East Asian, 0.0089%; no homozygotes.

Submissions (5):

Labcorp Genetics (formerly Invitae), Labcorp
Classification: Uncertain significance. Last evaluated: 2025-11-17. Review status: criteria provided, single submitter. Criteria: Invitae Variant Classification Sherloc (09022015). Collection method: clinical testing. Allele origin: germline.
Comment: This sequence change replaces alanine, which is neutral and non-polar, with threonine, which is neutral and polar, at codon 321 of the HTRA1 protein (p.Ala321Thr). This variant is present in population databases (rs587776449, gnomAD 0.09%). This missense change has been observed in individual(s) with cerebral arteriopathy with subcortical infarcts and leukoencephalopathy and/or vascular dementia (PMID: 24500651, 33268848). In at least one individual the data is consistent with being in trans (on the opposite chromosome) from a pathogenic variant. ClinVar contains an entry for this variant (Variation ID: 180746). Invitae Evidence Modeling of protein sequence and biophysical properties (such as structural, functional, and spatial information, amino acid conservation, physicochemical variation, residue mobility, and thermodynamic stability) has been performed for this missense variant. However, the output from this modeling did not meet the statistical confidence thresholds required to predict the impact of this variant on HTRA1 protein function. Experimental studies have shown that this missense change affects HTRA1 function (PMID: 31316458, 39196222). In summary, the available evidence is currently insufficient to determine the role of this variant in disease. Therefore, it has been classified as a Variant of Uncertain Significance.

Blueprint Genetics
Classification: Likely pathogenic for HTRA1-related disorders. Last evaluated: 2024-07-17. Review status: criteria provided, single submitter. Criteria: ACMG Guidelines, 2015. Collection method: clinical testing. Allele origin: germline. Affected: yes. Observed: 5 variant alleles.

GeneDx
Classification: Uncertain significance. Last evaluated: 2021-05-27. Review status: criteria provided, single submitter. Criteria: GeneDx Variant Classification Process June 2021. Collection method: clinical testing. Allele origin: germline. Affected: yes.
Comment: Observed with a second HTRA1 variant on the opposite allele (in trans) in an individual with CARASIL who inherited the variant from a mildly affected father (Bianchi et al., 2014); Published functional studies demonstrate partially reduced protein expression and protease activity, but normal oligomerization and no dominant negative effect (Uemura et al., 2019; Fasano et al., 2020); In silico analysis supports that this missense variant has a deleterious effect on protein structure/function; This variant is associated with the following publications: (PMID: 32017060, 31316458, 24500651)

Myllykangas group, University of Helsinki
Classification: Uncertain significance for Vascular dementia. Last evaluated: 2020-04-01. Review status: no assertion criteria provided. Collection method: research. Allele origin: germline. Affected: yes. Not counted in ClinVar's aggregate classification.

OMIM
Classification: Pathogenic for CEREBRAL ARTERIOPATHY, AUTOSOMAL RECESSIVE, WITH SUBCORTICAL INFARCTS AND LEUKOENCEPHALOPATHY 2. Last evaluated: 2014-03-11. Review status: no assertion criteria provided. Collection method: literature only. Allele origin: germline. Not counted in ClinVar's aggregate classification.

Literature cited by the submitters: PubMed 24500651 (cited by Labcorp Genetics (formerly Invitae), Labcorp and OMIM); PubMed 33268848 (cited by Labcorp Genetics (formerly Invitae), Labcorp and Myllykangas group, University of Helsinki); PubMed 31316458 (cited by Labcorp Genetics (formerly Invitae), Labcorp); PubMed 39196222 (cited by Labcorp Genetics (formerly Invitae), Labcorp).